The following is an entry in ClinVar:

ClinVar aggregate classification (germline): Uncertain significance. Review status: criteria provided, multiple submitters, no conflicts (2 of 4 stars). 3 submissions from 3 submitters: Uncertain significance (3). Last evaluated 2024-09-11.

Conditions:
Epileptic encephalopathy. Identifiers: MedGen C0543888, HP:0200134.

Allele frequency attached by ClinVar (database versions not stated): TOPMed below 0.00001; gnomAD 0.00001; gnomAD exomes 0.00001 and 0.00002; ExAC 0.00002.
gnomAD v4.1: 9 of 1,613,200 alleles (0.00056%); highest among the groups gnomAD compares: Middle Eastern, 0.016%; no homozygotes.

Submissions (3):

Ambry Genetics
Classification: Uncertain significance. Last evaluated: 2024-09-11. Review status: criteria provided, single submitter. Criteria: Ambry Variant Classification Scheme 2023. Collection method: clinical testing. Allele origin: germline.

CeGaT Center for Human Genetics Tuebingen
Classification: Uncertain significance. Last evaluated: 2022-11-01. Review status: criteria provided, single submitter. Criteria: CeGaT Center For Human Genetics Tuebingen Variant Classification Criteria Version 2. Collection method: clinical testing. Allele origin: germline. Affected: yes. Observed: 1 variant allele.

Labcorp Genetics (formerly Invitae), Labcorp
Classification: Uncertain significance for Epileptic encephalopathy. Last evaluated: 2020-01-27. Review status: criteria provided, single submitter. Criteria: Invitae Variant Classification Sherloc (09022015). Collection method: clinical testing. Allele origin: germline.
Comment: This sequence change replaces isoleucine with valine at codon 2617 of the RYR3 protein (p.Ile2617Val). The isoleucine residue is highly conserved and there is a small physicochemical difference between isoleucine and valine. This variant is present in population databases (rs757395431, ExAC 0.009%) but has not been reported in the literature in individuals with a RYR3-related disease. Algorithms developed to predict the effect of missense changes on protein structure and function output the following: SIFT: "Tolerated"; PolyPhen-2: "Benign"; Align-GVGD: "Class C15". The valine amino acid residue is found in multiple mammalian species, suggesting that this missense change does not adversely affect protein function. These predictions have not been confirmed by published functional studies. In summary, this variant is a rare missense change that is not predicted to affect protein function. There is no indication that it causes disease, but the available evidence is currently insufficient to prove that conclusively. Therefore, it has been classified as a Variant of Uncertain Significance.

NM_001036.6(RYR3):c.7849A>G (p.Ile2617Val)

Gene: RYR3 (ryanodine receptor 3; plus strand). Cytogenetic location: 15q14.
Variant type: single nucleotide variant.
Coding change: c.7849A>G on transcript NM_001036.6 (MANE Select); coding-DNA position 7849, A replaced by G.
Protein change: p.Ile2617Val; replaces isoleucine 2617 with valine.
Molecular consequence: missense variant.
Genome position (GRCh38, 1-based): chr15:33,742,394, A>G. VCF-style: chr15-33742394-A-G. GRCh37 (hg19) VCF-style: chr15-34034595-A-G.
Other names: c.7849A>G (NM_001036.3); c.7849A>G, p.Ile2617Val (NM_001243996.4); short protein forms I2617V.
Identifiers: ClinVar variation 461960 (VCV000461960.33), dbSNP rs757395431, ClinGen allele CA7460011.